The following is an entry in ClinVar:

ClinVar aggregate classification (germline): Likely benign (1 of 4 stars; one submission).

gnomAD v4.1: 1 of 1,613,960 alleles (0.000062%); highest among the groups gnomAD compares: Non-Finnish European, 0.000085%; no homozygotes.

Submission:

Molecular Diagnostic Laboratory for Inherited Cardiovascular Disease, Montreal Heart Institute
Classification: Likely benign. Last evaluated: 2026-03-27. Review status: criteria provided, single submitter. Criteria: ACMG Guidelines, 2015. Collection method: clinical testing. Allele origin: germline. Affected: no.
Comment: BP1

NM_001267550.2(TTN):c.30298G>A (p.Glu10100Lys)

Gene: TTN (titin; minus strand). Cytogenetic location: 2q31.2.
Variant type: single nucleotide variant.
Coding change: c.30298G>A on transcript NM_001267550.2 (MANE Select); coding-DNA position 30298, G replaced by A.
Protein change: p.Glu10100Lys; replaces glutamic acid 10100 with lysine.
Molecular consequence: missense variant. On other transcripts: intron variant (3).
Genome position (GRCh38, 1-based): chr2:178,702,589, C>T on the plus strand (G>A on the coding strand, the complement: TTN is on the minus strand). VCF-style: chr2-178702589-C-T. GRCh37 (hg19) VCF-style: chr2-179567316-C-T.
Other names: c.29347G>A, p.Glu9783Lys (NM_001256850.1); c.26566G>A, p.Glu8856Lys (NM_133378.4); c.13282+35493G>A (NM_003319.4); c.13858+35493G>A (NM_133437.4); c.13657+35493G>A (NM_133432.3); short protein forms E10100K, E8856K, E9783K.
Identifiers: ClinVar variation 4820469 (VCV004820469.1), dbSNP rs748645732.